The following is an entry in ClinVar:

NM_002294.3(LAMP2):c.640C>G (p.Pro214Ala)

Gene: LAMP2 (lysosome associated membrane protein 2; minus strand). Cytogenetic location: Xq24.
Variant type: single nucleotide variant.
Coding change: c.640C>G on transcript NM_002294.3 (MANE Select); coding-DNA position 640, C replaced by G.
Protein change: p.Pro214Ala; replaces proline 214 with alanine.
Molecular consequence: missense variant.
Genome position (GRCh38, 1-based): chrX:120,447,942, G>C on the plus strand (C>G on the coding strand, the complement: LAMP2 is on the minus strand). VCF-style: chrX-120447942-G-C. GRCh37 (hg19) VCF-style: chrX-119581797-G-C.
Other names: c.640C>G, p.Pro214Ala (NM_001122606.1, NM_013995.2); short protein forms P214A.
Identifiers: ClinVar variation 4742458 (VCV004742458.1).

ClinVar aggregate classification (germline): Uncertain significance (1 of 4 stars; one submission).

Conditions:
Danon disease. Also called: Glycogen Storage Disease Type IIb; ANTOPOL DISEASE; PSEUDOGLYCOGENOSIS II; GSD IIb; LYSOSOMAL GLYCOGEN STORAGE DISEASE WITHOUT ACID MALTASE DEFICIENCY. Identifiers: Orphanet 34587, MedGen C0878677, MONDO:0010281, OMIM 300257.

Submission:

Labcorp Genetics (formerly Invitae), Labcorp
Classification: Uncertain significance for Danon disease. Last evaluated: 2025-03-11. Review status: criteria provided, single submitter. Criteria: Invitae Variant Classification Sherloc (09022015). Collection method: clinical testing. Allele origin: germline.
Comment: This sequence change replaces proline, which is neutral and non-polar, with alanine, which is neutral and non-polar, at codon 214 of the LAMP2 protein (p.Pro214Ala). This variant is not present in population databases (gnomAD no frequency). This variant has not been reported in the literature in individuals affected with LAMP2-related conditions. Invitae Evidence Modeling of protein sequence and biophysical properties (such as structural, functional, and spatial information, amino acid conservation, physicochemical variation, residue mobility, and thermodynamic stability) indicates that this missense variant is not expected to disrupt LAMP2 protein function with a negative predictive value of 80%. In summary, the available evidence is currently insufficient to determine the role of this variant in disease. Therefore, it has been classified as a Variant of Uncertain Significance.